The following is an entry in ClinVar:

NM_020975.6(RET):c.770C>A (p.Pro257His)

Gene: RET (ret proto-oncogene; plus strand). Cytogenetic location: 10q11.21.
Variant type: single nucleotide variant.
Coding change: c.770C>A on transcript NM_020975.6 (MANE Select); coding-DNA position 770, C replaced by A.
Protein change: p.Pro257His; replaces proline 257 with histidine.
Molecular consequence: missense variant. On other transcripts: intron variant (22).
Genome position (GRCh38, 1-based): chr10:43,105,096, C>A. VCF-style: chr10-43105096-C-A. GRCh37 (hg19) VCF-style: chr10-43600544-C-A.
Other names: c.8C>A, p.Pro3His (NM_001355216.2); c.482C>A, p.Pro161His (NM_001406767.1, NM_001406770.1, NM_001406766.1); c.641C>A, p.Pro214His (NM_001406768.1, NM_001406774.1, NM_001406761.1 and 2 more transcripts); c.770C>A, p.Pro257His (NM_001406769.1, NM_001406772.1, NM_020630.7 and 6 more transcripts); c.625+2467C>A (NM_001406773.1, NM_001406771.1, NM_001406782.1 and 5 more transcripts); c.496+2467C>A (NM_001406786.1, NM_001406783.1); c.338-3935C>A (NM_001406778.1, NM_001406775.1, NM_001406776.1 and 1 more transcripts); c.337+4374C>A (NM_001406790.1, NM_001406788.1, NM_001406789.1 and 1 more transcripts); and 2 more; short protein forms P161H, P214H, P257H, P3H.
Identifiers: ClinVar variation 4152823 (VCV004152823.1).

ClinVar aggregate classification (germline): Uncertain significance (1 of 4 stars; one submission).

Conditions:
Hereditary cancer-predisposing syndrome. Also called: Neoplastic Syndromes, Hereditary; Tumor predisposition; Hereditary Cancer Syndrome; Hereditary neoplastic syndrome. Identifiers: Orphanet 140162, MedGen C0027672, MeSH D009386, MONDO:0015356.

Submission:

Ambry Genetics
Classification: Uncertain significance for Hereditary cancer-predisposing syndrome. Last evaluated: 2025-09-07. Review status: criteria provided, single submitter. Criteria: Ambry Variant Classification Scheme 2023. Collection method: clinical testing. Allele origin: germline.
Comment: The p.P257H variant (also known as c.770C>A), located in coding exon 4 of the RET gene, results from a C to A substitution at nucleotide position 770. The proline at codon 257 is replaced by histidine, an amino acid with similar properties. This amino acid position is conserved. In addition, this alteration is predicted to be tolerated by in silico analysis. Based on the available evidence, the clinical significance of this variant remains unclear.